The following is an entry in ClinVar:

NM_001170629.2(CHD8):c.5147T>C (p.Met1716Thr)

Gene: CHD8 (chromodomain helicase DNA binding protein 8; minus strand). Cytogenetic location: 14q11.2.
Variant type: single nucleotide variant.
Coding change: c.5147T>C on transcript NM_001170629.2 (MANE Select); coding-DNA position 5147, T replaced by C.
Protein change: p.Met1716Thr; replaces methionine 1716 with threonine.
Molecular consequence: missense variant.
Genome position (GRCh38, 1-based): chr14:21,395,333, A>G on the plus strand (T>C on the coding strand, the complement: CHD8 is on the minus strand). VCF-style: chr14-21395333-A-G. GRCh37 (hg19) VCF-style: chr14-21863492-A-G.
Other names: c.4310T>C, p.Met1437Thr (NM_020920.4); short protein forms M1437T, M1716T.
Identifiers: ClinVar variation 2044916 (VCV002044916.4), dbSNP rs1366597876, ClinGen allele CA388884537.

ClinVar aggregate classification (germline): Uncertain significance (1 of 4 stars; one submission).

Allele frequency attached by ClinVar (database versions not stated): gnomAD exomes below 0.00001.

Submission:

Labcorp Genetics (formerly Invitae), Labcorp
Classification: Uncertain significance. Last evaluated: 2025-05-16. Review status: criteria provided, single submitter. Criteria: Invitae Variant Classification Sherloc (09022015). Collection method: clinical testing. Allele origin: germline.
Comment: This sequence change replaces methionine, which is neutral and non-polar, with threonine, which is neutral and polar, at codon 1716 of the CHD8 protein (p.Met1716Thr). This variant is not present in population databases (gnomAD no frequency). This variant has not been reported in the literature in individuals affected with CHD8-related conditions. ClinVar contains an entry for this variant (Variation ID: 2044916). Invitae Evidence Modeling of protein sequence and biophysical properties (such as structural, functional, and spatial information, amino acid conservation, physicochemical variation, residue mobility, and thermodynamic stability) indicates that this missense variant is not expected to disrupt CHD8 protein function with a negative predictive value of 95%. In summary, the available evidence is currently insufficient to determine the role of this variant in disease. Therefore, it has been classified as a Variant of Uncertain Significance.